The following is an entry in ClinVar:

NM_001379029.1(CERT1):c.1553T>G (p.Leu518Trp)

Gene: CERT1 (ceramide transporter 1; minus strand). Cytogenetic location: 5q13.3.
Variant type: single nucleotide variant.
Coding change: c.1553T>G on transcript NM_001379029.1 (MANE Select); coding-DNA position 1553, T replaced by G.
Protein change: p.Leu518Trp; replaces leucine 518 with tryptophan.
Molecular consequence: missense variant.
Genome position (GRCh38, 1-based): chr5:75,382,013, A>C on the plus strand (T>G on the coding strand, the complement: CERT1 is on the minus strand). VCF-style: chr5-75382013-A-C. GRCh37 (hg19) VCF-style: chr5-74677838-A-C.
Other names: c.1937T>G, p.Leu646Trp (NM_001130105.1); c.1553T>G, p.Leu518Trp (NM_001379002.1, NM_005713.3); c.1475T>G, p.Leu492Trp (NM_001379003.1, NM_001379004.1, NM_031361.3); short protein forms L492W, L518W, L646W.
Identifiers: ClinVar variation 5017644 (VCV005017644.1).

ClinVar aggregate classification (germline): Uncertain significance (1 of 4 stars; one submission).

Submission:

GeneDx
Classification: Uncertain significance. Last evaluated: 2026-03-31. Review status: criteria provided, single submitter. Criteria: GeneDx Variant Classification Process June 2021. Collection method: clinical testing. Allele origin: germline.
Comment: Not observed at significant frequency in large population cohorts (gnomAD); In silico analysis suggests that this missense variant does not alter protein structure/function; Has not been previously published as pathogenic or benign to our knowledge